The following is an entry in ClinVar:

ClinVar aggregate classification (germline): Uncertain significance (1 of 4 stars; one submission).

Conditions:
Kabuki syndrome. Also called: NIIKAWA-KUROKI SYNDROME; Kabuki make-up syndrome. Identifiers: Orphanet 2322, MedGen C0796004, MONDO:0016512.

gnomAD v4.1: 1 of 1,613,576 alleles (0.000062%); highest among the groups gnomAD compares: Non-Finnish European, 0.000085%; no homozygotes.

Submission:

Labcorp Genetics (formerly Invitae), Labcorp
Classification: Uncertain significance for Kabuki syndrome. Last evaluated: 2024-05-28. Review status: criteria provided, single submitter. Criteria: Invitae Variant Classification Sherloc (09022015). Collection method: clinical testing. Allele origin: germline.
Comment: This sequence change replaces proline, which is neutral and non-polar, with serine, which is neutral and polar, at codon 4439 of the KMT2D protein (p.Pro4439Ser). This variant is not present in population databases (gnomAD no frequency). This variant has not been reported in the literature in individuals affected with KMT2D-related conditions. Advanced modeling of protein sequence and biophysical properties (such as structural, functional, and spatial information, amino acid conservation, physicochemical variation, residue mobility, and thermodynamic stability) performed at Invitae indicates that this missense variant is not expected to disrupt KMT2D protein function with a negative predictive value of 95%. In summary, the available evidence is currently insufficient to determine the role of this variant in disease. Therefore, it has been classified as a Variant of Uncertain Significance.

NM_003482.4(KMT2D):c.13315C>T (p.Pro4439Ser)

Gene: KMT2D (lysine methyltransferase 2D; minus strand). Cytogenetic location: 12q13.12.
Variant type: single nucleotide variant.
Coding change: c.13315C>T on transcript NM_003482.4 (MANE Select); coding-DNA position 13315, C replaced by T.
Protein change: p.Pro4439Ser; replaces proline 4439 with serine.
Molecular consequence: missense variant.
Genome position (GRCh38, 1-based): chr12:49,031,390, G>A on the plus strand (C>T on the coding strand, the complement: KMT2D is on the minus strand). VCF-style: chr12-49031390-G-A. GRCh37 (hg19) VCF-style: chr12-49425173-G-A.
Other names: short protein forms P4439S.
Identifiers: ClinVar variation 3635106 (VCV003635106.2).